The following is an entry in ClinVar:

ClinVar aggregate classification (germline): Benign (1 of 4 stars; one submission).

Conditions:
HTT-related disorder. Also called: HTT-related condition.

Submission:

PreventionGenetics, part of Exact Sciences
Classification: Benign for HTT-related condition. Last evaluated: 2019-11-25. Review status: criteria provided, single submitter. Criteria: ACMG Guidelines, 2015. Collection method: clinical testing. Allele origin: germline.
Comment: This variant is classified as benign based on ACMG/AMP sequence variant interpretation guidelines (Richards et al. 2015 PMID: 25741868, with internal and published modifications).

NM_001388492.1(HTT):c.1182C>T (p.Thr394=)

Gene: HTT (huntingtin; plus strand). Cytogenetic location: 4p16.3.
Variant type: single nucleotide variant.
Coding change: c.1182C>T on transcript NM_001388492.1 (MANE Select); coding-DNA position 1182, C replaced by T.
Protein change: p.Thr394=; no amino-acid change (threonine 394 retained).
Molecular consequence: synonymous variant.
Genome position (GRCh38, 1-based): chr4:3,121,341, C>T. VCF-style: chr4-3121341-C-T. GRCh37 (hg19) VCF-style: chr4-3123068-C-T.
Other names: c.1188C>T, p.Thr396= (NM_002111.8).
Identifiers: ClinVar variation 3035721 (VCV003035721.1), dbSNP rs2475938856, ClinGen allele CA438119882.